The following is an entry in ClinVar:

NM_144773.4(PROKR2):c.466G>A (p.Ala156Thr)

Gene: PROKR2 (prokineticin receptor 2; minus strand). Cytogenetic location: 20p12.3.
Variant type: single nucleotide variant.
Coding change: c.466G>A on transcript NM_144773.4 (MANE Select); coding-DNA position 466, G replaced by A.
Protein change: p.Ala156Thr; replaces alanine 156 with threonine.
Molecular consequence: missense variant.
Genome position (GRCh38, 1-based): chr20:5,302,729, C>T on the plus strand (G>A on the coding strand, the complement: PROKR2 is on the minus strand). VCF-style: chr20-5302729-C-T. GRCh37 (hg19) VCF-style: chr20-5283375-C-T.
Other names: short protein forms A156T.
Identifiers: ClinVar variation 2913938 (VCV002913938.4), dbSNP rs200887188, ClinGen allele CA9754336.

ClinVar aggregate classification (germline): Uncertain significance. Review status: criteria provided, multiple submitters, no conflicts (2 of 4 stars). 2 submissions from 2 submitters: Uncertain significance (2). Last evaluated 2025-09-02.

Conditions:
Hypogonadotropic hypogonadism 3 with or without anosmia (HH3). Also called: PROKR2-Related GnRH Deficiency (Kallmann Syndrome 3); HYPOGONADOTROPIC HYPOGONADISM 3 WITH ANOSMIA. Identifiers: Orphanet 478, MedGen C3550478, MONDO:0009482, OMIM 244200.

Allele frequency attached by ClinVar (database versions not stated): ExAC 0.00001; TOPMed 0.00002; gnomAD 0.00003; 1000 Genomes Project 30x 0.00016; 1000 Genomes Project 0.00020.

Submissions (2):

Labcorp Genetics (formerly Invitae), Labcorp
Classification: Uncertain significance. Last evaluated: 2025-09-02. Review status: criteria provided, single submitter. Criteria: Invitae Variant Classification Sherloc (09022015). Collection method: clinical testing. Allele origin: germline.
Comment: This sequence change replaces alanine, which is neutral and non-polar, with threonine, which is neutral and polar, at codon 156 of the PROKR2 protein (p.Ala156Thr). This variant is present in population databases (rs200887188, gnomAD 0.007%). This variant has not been reported in the literature in individuals affected with PROKR2-related conditions. ClinVar contains an entry for this variant (Variation ID: 2913938). Invitae Evidence Modeling of protein sequence and biophysical properties (such as structural, functional, and spatial information, amino acid conservation, physicochemical variation, residue mobility, and thermodynamic stability) indicates that this missense variant is not expected to disrupt PROKR2 protein function with a negative predictive value of 80%. Experimental studies are conflicting or provide insufficient evidence to determine the effect of this variant on PROKR2 function (PMID: 29161432). In summary, the available evidence is currently insufficient to determine the role of this variant in disease. Therefore, it has been classified as a Variant of Uncertain Significance.

Fulgent Genetics
Classification: Uncertain significance for Hypogonadotropic hypogonadism 3 with or without anosmia. Last evaluated: 2024-01-24. Review status: criteria provided, single submitter. Criteria: ACMG Guidelines, 2015. Collection method: clinical testing. Allele origin: germline.

Literature cited by the submitters: PubMed 29161432 (cited by Labcorp Genetics (formerly Invitae), Labcorp).